The following is an entry in ClinVar:

NM_001205293.3(CACNA1E):c.2230C>G (p.Pro744Ala)

Gene: CACNA1E (calcium voltage-gated channel subunit alpha1 E; plus strand). Cytogenetic location: 1q25.3.
Variant type: single nucleotide variant.
Coding change: c.2230C>G on transcript NM_001205293.3 (MANE Select); coding-DNA position 2230, C replaced by G.
Protein change: p.Pro744Ala; replaces proline 744 with alanine.
Molecular consequence: missense variant.
Genome position (GRCh38, 1-based): chr1:181,726,152, C>G. VCF-style: chr1-181726152-C-G. GRCh37 (hg19) VCF-style: chr1-181695288-C-G.
Other names: c.2230C>G, p.Pro744Ala (NM_000721.4, NM_001205294.2); short protein forms P744A.
Identifiers: ClinVar variation 3633665 (VCV003633665.2).

ClinVar aggregate classification (germline): Uncertain significance (1 of 4 stars; one submission).

Submission:

Labcorp Genetics (formerly Invitae), Labcorp
Classification: Uncertain significance. Last evaluated: 2024-03-16. Review status: criteria provided, single submitter. Criteria: Invitae Variant Classification Sherloc (09022015). Collection method: clinical testing. Allele origin: germline.
Comment: This sequence change replaces proline, which is neutral and non-polar, with alanine, which is neutral and non-polar, at codon 744 of the CACNA1E protein (p.Pro744Ala). This variant is not present in population databases (gnomAD no frequency). This variant has not been reported in the literature in individuals affected with CACNA1E-related conditions. Advanced modeling of protein sequence and biophysical properties (such as structural, functional, and spatial information, amino acid conservation, physicochemical variation, residue mobility, and thermodynamic stability) performed at Invitae indicates that this missense variant is not expected to disrupt CACNA1E protein function with a negative predictive value of 95%. In summary, the available evidence is currently insufficient to determine the role of this variant in disease. Therefore, it has been classified as a Variant of Uncertain Significance.